The following is an entry in ClinVar:

ClinVar aggregate classification (germline): Uncertain significance. Review status: criteria provided, multiple submitters, no conflicts (2 of 4 stars). 2 submissions from 2 submitters: Uncertain significance (2). Last evaluated 2025-01-31.

Conditions:
Inborn genetic diseases. Identifiers: MedGen C0950123, MeSH D030342.
Jeune thoracic dystrophy. Also called: Jeune syndrome; Infantile thoracic dystrophy; Thoracic pelvic phalangeal dystrophy; Jeune's syndrome; Chondroectodermal dysplasia-like syndrome; Short-rib thoracic dysplasia. Identifiers: Orphanet 474, MedGen C0265275, MONDO:0018770.

gnomAD v4.1: 2 of 1,613,308 alleles (0.00012%); highest among the groups gnomAD compares: Admixed American, 0.0017%; no homozygotes.

Submissions (2):

Ambry Genetics
Classification: Uncertain significance for Inborn genetic diseases. Last evaluated: 2025-01-31. Review status: criteria provided, single submitter. Criteria: Ambry Variant Classification Scheme 2023. Collection method: clinical testing. Allele origin: germline.

Labcorp Genetics (formerly Invitae), Labcorp
Classification: Uncertain significance for Jeune thoracic dystrophy. Last evaluated: 2022-03-18. Review status: criteria provided, single submitter. Criteria: Invitae Variant Classification Sherloc (09022015). Collection method: clinical testing. Allele origin: germline.
Comment: This sequence change replaces valine, which is neutral and non-polar, with leucine, which is neutral and non-polar, at codon 879 of the DYNC2H1 protein (p.Val879Leu). This variant is present in population databases (rs772950964, gnomAD 0.003%). This variant has not been reported in the literature in individuals affected with DYNC2H1-related conditions. Advanced modeling of protein sequence and biophysical properties (such as structural, functional, and spatial information, amino acid conservation, physicochemical variation, residue mobility, and thermodynamic stability) performed at Invitae indicates that this missense variant is not expected to disrupt DYNC2H1 protein function. In summary, the available evidence is currently insufficient to determine the role of this variant in disease. Therefore, it has been classified as a Variant of Uncertain Significance.

NM_001377.3(DYNC2H1):c.2635G>C (p.Val879Leu)

Gene: DYNC2H1 (dynein cytoplasmic 2 heavy chain 1; plus strand). Cytogenetic location: 11q22.3.
Variant type: single nucleotide variant.
Coding change: c.2635G>C on transcript NM_001377.3 (MANE Select); coding-DNA position 2635, G replaced by C.
Protein change: p.Val879Leu; replaces valine 879 with leucine.
Molecular consequence: missense variant.
Genome position (GRCh38, 1-based): chr11:103,143,328, G>C. VCF-style: chr11-103143328-G-C. GRCh37 (hg19) VCF-style: chr11-103014057-G-C.
Other names: c.2635G>C (NM_001080463.1); c.2635G>C, p.Val879Leu (NM_001080463.2); short protein forms V879L.
Identifiers: ClinVar variation 2142934 (VCV002142934.2), dbSNP rs772950964, ClinGen allele CA6253101.
Genomic context (GRCh38, chr11:103,143,328, plus strand): 5'-GAATGGATTGTAATTGGGCAAGTTGATATGGAAGCTCTGGTGGAAAAGCATCTTTTTACT[G>C]TACATGATTGGGAGAAAAATTTTAAAGCATTAAAAATAAAGGGGAAAGAAGTAGAACGAC-3'
Protein context (NP_001368.2, residues 869-889): EALVEKHLFT[Val879Leu]HDWEKNFKAL